The following is an entry in ClinVar:

ClinVar aggregate classification (germline): Likely benign (1 of 4 stars; one submission).

Allele frequency attached by ClinVar (database versions not stated): gnomAD exomes below 0.00001.
gnomAD v4.1: 3 of 1,614,148 alleles (0.00019%); highest among the groups gnomAD compares: African/African-American, 0.0013%; no homozygotes.

Submission:

CeGaT Center for Human Genetics Tuebingen
Classification: Likely benign. Last evaluated: 2022-07-01. Review status: criteria provided, single submitter. Criteria: CeGaT Center For Human Genetics Tuebingen Variant Classification Criteria Version 2. Collection method: clinical testing. Allele origin: germline. Affected: yes. Observed: 1 variant allele.
Comment: PLEKHS1: PM2:Supporting, BP4, BP7

NM_001395068.1(PLEKHS1):c.867C>T (p.His289=)

Gene: PLEKHS1 (pleckstrin homology domain containing S1; plus strand). Cytogenetic location: 10q25.3.
Variant type: single nucleotide variant.
Coding change: c.867C>T on transcript NM_001395068.1 (MANE Select); coding-DNA position 867, C replaced by T.
Protein change: p.His289=; no amino-acid change (histidine 289 retained).
Molecular consequence: synonymous variant.
Genome position (GRCh38, 1-based): chr10:113,774,913, C>T. VCF-style: chr10-113774913-C-T. GRCh37 (hg19) VCF-style: chr10-115534672-C-T.
Other names: c.603C>T, p.His201= (NM_001193434.2, NM_001193435.2); c.867C>T, p.His289= (NM_024889.5); c.849C>T, p.His283= (NM_182601.2).
Identifiers: ClinVar variation 2640856 (VCV002640856.24), dbSNP rs2494215461, ClinGen allele CA471512994.
Genomic context (GRCh38, chr10:113,774,913, plus strand): 5'-TGTGGATAGCAGCAAAGAGGAACCCCAGACCCTTCCAGAGACCCAGGATGGGGACCTCCA[C>T]CTGCAAGAACAAGGCTCAGGAATTGATTGGTGTCTTTCCCCTGCCGATGTGGAAGCACAG-3'
Protein context (NP_001381997.1, residues 279-299): TLPETQDGDL[His289=]LQEQGSGIDW